The following is an entry in ClinVar:

ClinVar aggregate classification (germline): Benign. Review status: criteria provided, multiple submitters, no conflicts (2 of 4 stars). 4 submissions from 4 submitters: Benign (4). Last evaluated 2026-01-26.

Conditions:
Spondyloenchondrodysplasia with immune dysregulation (SPENCDI). Also called: SPONDYLOENCHONDRODYSPLASIA WITH OR WITHOUT IMMUNE DYSREGULATION; ROIFMAN IMMUNOSKELETAL SYNDROME; COMBINED IMMUNODEFICIENCY WITH AUTOIMMUNITY AND SPONDYLOMETAPHYSEAL DYSPLASIA. Identifiers: Orphanet 1855, MedGen C1842763, MONDO:0011939, OMIM 607944.

Allele frequency attached by ClinVar (database versions not stated): gnomAD exomes 0.00060 and 0.00132; ExAC 0.00149; 1000 Genomes Project 0.00399; 1000 Genomes Project 30x 0.00468; gnomAD 0.00552 and 0.00599; ESP Exome Variant Server 0.00577; TOPMed 0.00646.

Submissions (4):

Labcorp Genetics (formerly Invitae), Labcorp
Classification: Benign for Spondyloenchondrodysplasia with immune dysregulation. Last evaluated: 2026-01-26. Review status: criteria provided, single submitter. Criteria: Invitae Variant Classification Sherloc (09022015). Collection method: clinical testing. Allele origin: germline.

Women's Health and Genetics/Laboratory Corporation of America, LabCorp
Classification: Benign. Last evaluated: 2026-01-22. Review status: criteria provided, single submitter. Criteria: LabCorp Variant Classification Summary - May 2015. Collection method: clinical testing. Allele origin: germline.

Mayo Clinic Laboratories, Mayo Clinic
Classification: Benign. Last evaluated: 2025-01-20. Review status: criteria provided, single submitter. Criteria: ACMG Guidelines, 2015. Collection method: clinical testing. Allele origin: germline. Observed: 2 variant alleles.
Comment: BS1, BS2, BP4, BP7

Breakthrough Genomics
Classification: Benign. Review status: criteria provided, single submitter. Criteria: ACMG Guidelines, 2015. Collection method: not provided. Allele origin: germline. Inheritance: Autosomal recessive inheritance. Affected: yes.

NM_001611.5(ACP5):c.276C>T (p.Asp92=)

Gene: ACP5 (acid phosphatase 5, tartrate resistant; minus strand). Cytogenetic location: 19p13.2.
Variant type: single nucleotide variant.
Coding change: c.276C>T on transcript NM_001611.5 (MANE Select); coding-DNA position 276, C replaced by T.
Protein change: p.Asp92=; no amino-acid change (aspartic acid 92 retained).
Molecular consequence: synonymous variant.
Genome position (GRCh38, 1-based): chr19:11,576,829, G>A on the plus strand (C>T on the coding strand, the complement: ACP5 is on the minus strand). VCF-style: chr19-11576829-G-A. GRCh37 (hg19) VCF-style: chr19-11687644-G-A.
Other names: p.Asp92=; c.276C>T, p.Asp92= (NM_001111034.3, NM_001111035.3, NM_001111036.3 and 2 more transcripts).
Identifiers: ClinVar variation 464888 (VCV000464888.15), dbSNP rs34375794, ClinGen allele CA9215458.